The following is an entry in ClinVar:

ClinVar aggregate classification (germline): Likely benign (1 of 4 stars; one submission).

Conditions:
Neurofibromatosis, type 1 (NF1). Also called: VON RECKLINGHAUSEN DISEASE; NEUROFIBROMATOSIS, TYPE I, SOMATIC; Peripheral type neurofibromatosis; Neurofibromatosis, type I. Identifiers: Orphanet 636, MedGen C0027831, MONDO:0018975, OMIM 162200. Disease mechanism: loss of function.

Submission:

Myriad Genetics, Inc.
Classification: Likely benign for Neurofibromatosis, type 1. Last evaluated: 2026-05-13. Review status: criteria provided, single submitter. Criteria: Myriad Autosomal Dominant, Autosomal Recessive and X-Linked Classification Criteria (2023). Collection method: clinical testing. Allele origin: unknown.
Comment: This variant is considered likely benign. This variant is intronic and is not expected to impact mRNA splicing.

NM_001042492.3(NF1):c.5269-5T>C

Gene: NF1 (neurofibromin 1; plus strand). Cytogenetic location: 17q11.2.
Variant type: single nucleotide variant.
Coding change: c.5269-5T>C on transcript NM_001042492.3 (MANE Select); 5 bases into the intron before coding-DNA position 5269, T replaced by C.
Molecular consequence: intron variant.
Genome position (GRCh38, 1-based): chr17:31,327,494, T>C. VCF-style: chr17-31327494-T-C. GRCh37 (hg19) VCF-style: chr17-29654512-T-C.
Other names: c.5206-5T>C (NM_000267.4).
Identifiers: ClinVar variation 4876129 (VCV004876129.1).